The following is an entry in ClinVar:

NM_001379270.1(CNGA1):c.977A>G (p.Asp326Gly)

Genes: CNGA1 (cyclic nucleotide gated channel subunit alpha 1; minus strand), LOC101927157 (uncharacterized LOC101927157; plus strand). Cytogenetic location: 4p12.
Variant type: single nucleotide variant.
Coding change: c.977A>G on transcript NM_001379270.1 (MANE Select); coding-DNA position 977, A replaced by G.
Protein change: p.Asp326Gly; replaces aspartic acid 326 with glycine.
Molecular consequence: missense variant.
Genome position (GRCh38, 1-based): chr4:47,937,505, T>C on the plus strand (A>G on the coding strand, the complement: CNGA1 is on the minus strand). VCF-style: chr4-47937505-T-C. GRCh37 (hg19) VCF-style: chr4-47939522-T-C.
Other names: c.977A>G, p.Asp326Gly (NM_000087.5, NM_001142564.2); short protein forms D399G, D326G.
Identifiers: ClinVar variation 143097 (VCV000143097.2), dbSNP rs527236059, ClinGen allele CA270044.

ClinVar aggregate classification (germline): Likely pathogenic (0 of 4 stars; one submission).

Conditions:
Retinitis pigmentosa (RP). Identifiers: Orphanet 791, MedGen C0035334, MeSH D012174, MONDO:0019200, OMIM 268000. Inheritance: Autosomal dominant, autosomal recessive and X linked inheritance.

Allele frequency attached by ClinVar (database versions not stated): gnomAD exomes below 0.00001; ExAC 0.00001; gnomAD 0.00001; 1000 Genomes Project 30x 0.00016; 1000 Genomes Project 0.00020.
gnomAD v4.1: 2 of 1,614,200 alleles (0.00012%); highest among the groups gnomAD compares: Admixed American, 0.0017%; no homozygotes.

Submission:

Department of Ophthalmology and Visual Sciences Kyoto University
Classification: Likely pathogenic for Retinitis pigmentosa. Review status: no assertion criteria provided. Collection method: not provided. Allele origin: unknown.
ClinVar note: Converted during submission from probable-pathogenic to Likely pathogenic.